The following is an entry in ClinVar:

ClinVar aggregate classification (germline): Uncertain significance (1 of 4 stars; one submission).

Submission:

Labcorp Genetics (formerly Invitae), Labcorp
Classification: Uncertain significance. Last evaluated: 2025-06-12. Review status: criteria provided, single submitter. Criteria: Invitae Variant Classification Sherloc (09022015). Collection method: clinical testing. Allele origin: germline.
Comment: This sequence change replaces serine, which is neutral and polar, with phenylalanine, which is neutral and non-polar, at codon 25 of the GREB1L protein (p.Ser25Phe). This variant is not present in population databases (gnomAD no frequency). This variant has not been reported in the literature in individuals affected with GREB1L-related conditions. ClinVar contains an entry for this variant (Variation ID: 2971969). An algorithm developed to predict the effect of missense changes on protein structure and function (PolyPhen-2) suggests that this variant is likely to be disruptive. In summary, the available evidence is currently insufficient to determine the role of this variant in disease. Therefore, it has been classified as a Variant of Uncertain Significance.

NM_001142966.3(GREB1L):c.74C>T (p.Ser25Phe)

Genes: GREB1L (GREB1 like retinoic acid receptor coactivator; plus strand), GREB1L-AS1 (GREB1L antisense RNA 1; minus strand). Cytogenetic location: 18q11.1.
Variant type: single nucleotide variant.
Coding change: c.74C>T on transcript NM_001142966.3 (MANE Select); coding-DNA position 74, C replaced by T.
Protein change: p.Ser25Phe; replaces serine 25 with phenylalanine.
Molecular consequence: missense variant.
Genome position (GRCh38, 1-based): chr18:21,383,592, C>T. VCF-style: chr18-21383592-C-T. GRCh37 (hg19) VCF-style: chr18-18963553-C-T.
Other names: c.74C>T, p.Ser25Phe (NM_001410867.1, NM_001410868.1); short protein forms S25F.
Identifiers: ClinVar variation 2971969 (VCV002971969.3), dbSNP rs2510788281, ClinGen allele CA401794024.
Genomic context (GRCh38, chr18:21,383,592, plus strand): 5'-ATGCTGGGCAACTGAAATCTGCTCGATTTGAGGAAGCTCTCCACAACTCCATAGAAGCCT[C>T]CCTCAGATGTAGTAGTGTGGTACCACGGCCAATTTTTTCCCAGCTATACCTGGACCCTGA-3'
Protein context (NP_001136438.1, residues 15-35): EEALHNSIEA[Ser25Phe]LRCSSVVPRP